The following is an entry in ClinVar:

NM_019066.5(MAGEL2):c.1326G>C (p.Pro442=)

Gene: MAGEL2 (MAGE family member L2; minus strand). Cytogenetic location: 15q11.2.
Variant type: single nucleotide variant.
Coding change: c.1326G>C on transcript NM_019066.5 (MANE Select); coding-DNA position 1326, G replaced by C.
Protein change: p.Pro442=; no amino-acid change (proline 442 retained).
Molecular consequence: synonymous variant.
Genome position (GRCh38, 1-based): chr15:23,646,417, C>G on the plus strand (G>C on the coding strand, the complement: MAGEL2 is on the minus strand). VCF-style: chr15-23646417-C-G. GRCh37 (hg19) VCF-style: chr15-23891564-C-G.
Identifiers: ClinVar variation 2644995 (VCV002644995.24), dbSNP rs550125705, ClinGen allele CA267660490.

ClinVar aggregate classification (germline): Likely benign (1 of 4 stars; one submission).

Allele frequency attached by ClinVar (database versions not stated): 1000 Genomes Project 0.00060.

Submission:

CeGaT Center for Human Genetics Tuebingen
Classification: Likely benign. Last evaluated: 2026-03-01. Review status: criteria provided, single submitter. Criteria: CeGaT Center For Human Genetics Tuebingen Variant Classification Criteria Version 2. Collection method: clinical testing. Allele origin: germline. Affected: yes. Observed: 2 variant alleles.
Comment: MAGEL2: BP4, BP7